The following is an entry in ClinVar:

ClinVar aggregate classification (germline): Conflicting classifications of pathogenicity. Review status: criteria provided, conflicting classifications (1 of 4 stars). 4 submissions from 4 submitters: Pathogenic (1); Uncertain significance (2). 1 of the submissions does not count toward it. Last evaluated 2026-09-08.

Conditions:
Cardiovascular phenotype. Identifiers: MedGen CN230736.
Progressive familial heart block type IB (PFHB1B). Identifiers: Orphanet 871, MedGen C1970298, MONDO:0011474, OMIM 604559.

Allele frequency attached by ClinVar (database versions not stated): ExAC 0.00002; gnomAD exomes below 0.00001 and 0.00001.
gnomAD v4.1: 8 of 1,614,134 alleles (0.0005%); highest among the groups gnomAD compares: South Asian, 0.0044%; no homozygotes.

Submissions (4):

Ambry Genetics
Classification: Uncertain significance for Cardiovascular phenotype. Last evaluated: 2026-09-08. Review status: criteria provided, single submitter. Criteria: Ambry Variant Classification Scheme 2023. Collection method: clinical testing. Allele origin: germline.
Comment: The p.R164W variant (also known as c.490C>T), located in coding exon 5 of the TRPM4 gene, results from a C to T substitution at nucleotide position 490. The arginine at codon 164 is replaced by tryptophan, an amino acid with dissimilar properties. This alteration has been described to segregate with variable presentations of heart block in one family, and was suggested to affect channel activity in in vitro studies (Liu H et al. Circ Cardiovasc Genet, 2010 Aug;3:374-85). This amino acid position is not well conserved in available vertebrate species. In addition, the in silico prediction for this alteration is inconclusive. Based on the available evidence, the clinical significance of this variant remains unclear.

GeneDx
Classification: Uncertain significance. Last evaluated: 2026-07-29. Review status: criteria provided, single submitter. Criteria: GeneDx Variant Classification Process June 2021. Collection method: clinical testing. Allele origin: germline.
Comment: Not observed at significant frequency in large population cohorts (gnomAD); In silico analysis supports that this missense variant has a deleterious effect on protein structure/function; Functional study demonstrate this variant causes gain of function due to an elevated TRPM4 channel density at the cell surface; however, additional studies are needed to confirm this finding (PMID: 20562447); This variant is associated with the following publications: (PMID: 20562447)

Labcorp Genetics (formerly Invitae), Labcorp
Classification: Pathogenic for Progressive familial heart block type IB. Last evaluated: 2023-10-09. Review status: criteria provided, single submitter. Criteria: Invitae Variant Classification Sherloc (09022015). Collection method: clinical testing. Allele origin: germline.
Comment: This sequence change replaces arginine, which is basic and polar, with tryptophan, which is neutral and slightly polar, at codon 164 of the TRPM4 protein (p.Arg164Trp). This variant is present in population databases (rs387907216, gnomAD 0.01%). This missense change has been observed in individual(s) with cardiac conduction disease (PMID: 20562447). It has also been observed to segregate with disease in related individuals. ClinVar contains an entry for this variant (Variation ID: 35488). An algorithm developed to predict the effect of missense changes on protein structure and function (PolyPhen-2) suggests that this variant is likely to be tolerated. Experimental studies have shown that this missense change affects TRPM4 function (PMID: 20562447). For these reasons, this variant has been classified as Pathogenic.

OMIM
Classification: Pathogenic for PROGRESSIVE FAMILIAL HEART BLOCK, TYPE IB. Last evaluated: 2010-08-01. Review status: no assertion criteria provided. Collection method: literature only. Allele origin: germline. Not counted in ClinVar's aggregate classification.

Literature cited by the submitters: PubMed 20562447 (cited by 3 submitters).

NM_017636.4(TRPM4):c.490C>T (p.Arg164Trp)

Gene: TRPM4 (transient receptor potential cation channel subfamily M member 4; plus strand). Cytogenetic location: 19q13.33.
Variant type: single nucleotide variant.
Coding change: c.490C>T on transcript NM_017636.4 (MANE Select); coding-DNA position 490, C replaced by T.
Protein change: p.Arg164Trp; replaces arginine 164 with tryptophan.
Molecular consequence: missense variant. On other transcripts: 5 prime UTR variant (2), intron variant (2).
Genome position (GRCh38, 1-based): chr19:49,168,301, C>T. VCF-style: chr19-49168301-C-T. GRCh37 (hg19) VCF-style: chr19-49671558-C-T.
Other names: c.490C>T, p.Arg164Trp (NM_001195227.2); c.-1064C>T (NM_001321282.2); c.-33C>T (NM_001321283.2); c.268-252C>T (NM_001321281.2); c.-237-252C>T (NM_001321285.2); short protein forms R164W.
Identifiers: ClinVar variation 35488 (VCV000035488.9), dbSNP rs387907216, ClinGen allele CA250717.